The following is an entry in ClinVar:

NM_203447.4(DOCK8):c.2874+3A>G

Gene: DOCK8 (dedicator of cytokinesis 8; plus strand). Cytogenetic location: 9p24.3.
Variant type: single nucleotide variant.
Coding change: c.2874+3A>G on transcript NM_203447.4 (MANE Select); 3 bases into the intron after coding-DNA position 2874, A replaced by G.
Molecular consequence: intron variant.
Genome position (GRCh38, 1-based): chr9:386,429, A>G. VCF-style: chr9-386429-A-G. GRCh37 (hg19) VCF-style: chr9-386429-A-G.
Other names: c.2670+3A>G (NM_001193536.2); c.2574+3744A>G (NM_001190458.2).
Identifiers: ClinVar variation 1430944 (VCV001430944.5), dbSNP rs758868430, ClinGen allele CA4958380.

ClinVar aggregate classification (germline): Uncertain significance (1 of 4 stars; one submission).

Conditions:
Combined immunodeficiency due to DOCK8 deficiency (HIES2). Also called: HIES autosomal recessive; HYPER-IgE RECURRENT INFECTION SYNDROME 2, AUTOSOMAL RECESSIVE; DOCK8 Deficiency; HYPER-IgE SYNDROME 2, AUTOSOMAL RECESSIVE, WITH RECURRENT INFECTIONS; Hyper-IgE recurrent infection syndrome, autosomal recessive. Identifiers: Orphanet 217390, MedGen C4722305, MONDO:0009478, OMIM 243700.

Allele frequency attached by ClinVar (database versions not stated): gnomAD exomes 0.00001 and 0.00002; ExAC 0.00002; gnomAD 0.00004; TOPMed 0.00004.
gnomAD v4.1: 18 of 1,612,476 alleles (0.0011%); highest among the groups gnomAD compares: South Asian, 0.0022%; no homozygotes.

Submission:

Labcorp Genetics (formerly Invitae), Labcorp
Classification: Uncertain significance for Combined immunodeficiency due to DOCK8 deficiency. Last evaluated: 2025-03-17. Review status: criteria provided, single submitter. Criteria: Invitae Variant Classification Sherloc (09022015). Collection method: clinical testing. Allele origin: germline.
Comment: This sequence change falls in intron 23 of the DOCK8 gene. It does not directly change the encoded amino acid sequence of the DOCK8 protein. It affects a nucleotide within the consensus splice site. This variant is present in population databases (rs758868430, gnomAD 0.007%). This variant has not been reported in the literature in individuals affected with DOCK8-related conditions. ClinVar contains an entry for this variant (Variation ID: 1430944). Variants that disrupt the consensus splice site are a relatively common cause of aberrant splicing (PMID: 17576681, 9536098). Algorithms developed to predict the effect of sequence changes on RNA splicing suggest that this variant may disrupt the consensus splice site. In summary, the available evidence is currently insufficient to determine the role of this variant in disease. Therefore, it has been classified as a Variant of Uncertain Significance.

Literature cited by the submitters: PubMed 17576681; PubMed 9536098.